The following is an entry in ClinVar:

NM_021625.5(TRPV4):c.2294G>A (p.Gly765Asp)

Gene: TRPV4 (transient receptor potential cation channel subfamily V member 4; minus strand). Cytogenetic location: 12q24.11.
Variant type: single nucleotide variant.
Coding change: c.2294G>A on transcript NM_021625.5 (MANE Select); coding-DNA position 2294, G replaced by A.
Protein change: p.Gly765Asp; replaces glycine 765 with aspartic acid.
Molecular consequence: missense variant.
Genome position (GRCh38, 1-based): chr12:109,786,752, C>T on the plus strand (G>A on the coding strand, the complement: TRPV4 is on the minus strand). VCF-style: chr12-109786752-C-T. GRCh37 (hg19) VCF-style: chr12-110224557-C-T.
Other names: c.2153G>A, p.Gly718Asp (NM_001177428.2); c.2192G>A, p.Gly731Asp (NM_001177431.2); c.1973G>A, p.Gly658Asp (NM_001177433.2); c.2114G>A, p.Gly705Asp (NM_147204.3); short protein forms G765D, G705D, G658D, G718D, G731D.
Identifiers: ClinVar variation 2051464 (VCV002051464.3), dbSNP rs2548713933, ClinGen allele CA386649318.

ClinVar aggregate classification (germline): Uncertain significance (1 of 4 stars; one submission).

Conditions:
Charcot-Marie-Tooth disease axonal type 2C (HMSN2C). Also called: CHARCOT-MARIE-TOOTH DISEASE, AXONAL, AUTOSOMAL DOMINANT, TYPE 2C; Charcot-Marie-Tooth Neuropathy Type 2C; Charcot-Marie-Tooth Disease Type 2, TRPV4-Related (CMT2C). Identifiers: Orphanet 99937, MedGen C1853710, MONDO:0011633, OMIM 606071.

Allele frequency attached by ClinVar (database versions not stated): gnomAD exomes below 0.00001.
gnomAD v4.1: 1 of 1,613,998 alleles (0.000062%); highest among the groups gnomAD compares: Non-Finnish European, 0.000085%; no homozygotes.

Submission:

Labcorp Genetics (formerly Invitae), Labcorp
Classification: Uncertain significance for Charcot-Marie-Tooth disease axonal type 2C. Last evaluated: 2022-10-26. Review status: criteria provided, single submitter. Criteria: Invitae Variant Classification Sherloc (09022015). Collection method: clinical testing. Allele origin: germline.
Comment: In summary, the available evidence is currently insufficient to determine the role of this variant in disease. Therefore, it has been classified as a Variant of Uncertain Significance. Advanced modeling of protein sequence and biophysical properties (such as structural, functional, and spatial information, amino acid conservation, physicochemical variation, residue mobility, and thermodynamic stability) has been performed at Invitae for this missense variant, however the output from this modeling did not meet the statistical confidence thresholds required to predict the impact of this variant on TRPV4 protein function. This variant has not been reported in the literature in individuals affected with TRPV4-related conditions. This variant is not present in population databases (gnomAD no frequency). This sequence change replaces glycine, which is neutral and non-polar, with aspartic acid, which is acidic and polar, at codon 765 of the TRPV4 protein (p.Gly765Asp).